The following is an entry in ClinVar:

NM_001378615.1(CC2D2A):c.784G>A (p.Asp262Asn)

Genes: CC2D2A (coiled-coil and C2 domain containing 2A; plus strand), FBXL5 (F-box and leucine rich repeat protein 5; minus strand). Cytogenetic location: 4p15.32.
Variant type: single nucleotide variant.
Coding change: c.784G>A on transcript NM_001378615.1 (MANE Select); coding-DNA position 784, G replaced by A.
Protein change: p.Asp262Asn; replaces aspartic acid 262 with asparagine.
Molecular consequence: missense variant.
Genome position (GRCh38, 1-based): chr4:15,514,773, G>A. VCF-style: chr4-15514773-G-A. GRCh37 (hg19) VCF-style: chr4-15516396-G-A.
Other names: c.784G>A, p.Asp262Asn (NM_001080522.2); c.637G>A, p.Asp213Asn (NM_001378617.1); short protein forms D213N, D262N.
Identifiers: ClinVar variation 1121461 (VCV001121461.12), dbSNP rs758661538, ClinGen allele CA2863494.

ClinVar aggregate classification (germline): Conflicting classifications of pathogenicity. Review status: criteria provided, conflicting classifications (1 of 4 stars). 3 submissions from 3 submitters: Uncertain significance (1); Likely benign (1). 1 of the submissions does not count toward it. Last evaluated 2025-08-28.

Conditions:
Inborn genetic diseases. Identifiers: MedGen C0950123, MeSH D030342.
Joubert syndrome. Also called: JOUBERT-BOLTSHAUSER SYNDROME; Familial aplasia of the vermis. Identifiers: Orphanet 475, MedGen C5979921, MONDO:0018772.
Meckel-Gruber syndrome. Also called: DYSENCEPHALIA SPLANCHNOCYSTICA; GRUBER SYNDROME; Dysencephalia splachnocystica. Identifiers: Orphanet 564, MedGen C0265215, MONDO:0018921.

Allele frequency attached by ClinVar (database versions not stated): TOPMed below 0.00001; gnomAD 0.00001; gnomAD exomes 0.00005 and 0.00011; ExAC 0.00012; 1000 Genomes Project 30x 0.00016.
gnomAD v4.1: 75 of 1,613,352 alleles (0.0046%); highest among the groups gnomAD compares: South Asian, 0.08%; 1 homozygote.

Submissions (3):

Ambry Genetics
Classification: Uncertain significance for Inborn genetic diseases. Last evaluated: 2025-08-28. Review status: criteria provided, single submitter. Criteria: Ambry Variant Classification Scheme 2023. Collection method: clinical testing. Allele origin: germline.

Labcorp Genetics (formerly Invitae), Labcorp
Classification: Likely benign for Joubert syndrome; Meckel-Gruber syndrome. Last evaluated: 2025-07-02. Review status: criteria provided, single submitter. Criteria: Invitae Variant Classification Sherloc (09022015). Collection method: clinical testing. Allele origin: germline.

Genetic Services Laboratory, University of Chicago
Classification: Uncertain significance. Last evaluated: 2022-04-20. Review status: no assertion criteria provided. Collection method: clinical testing. Allele origin: germline. Affected: no. Not counted in ClinVar's aggregate classification.
Comment: DNA sequence analysis of the CC2D2A gene demonstrated a sequence change, c.784G>A, in exon 10 that results in an amino acid change, p.Asp262Asn. This sequence change has been described in the gnomAD database with a frequency of 0.088% in the South Asian subpopulation (dbSNP rs758661538). The p.Asp262Asn change affects a poorly conserved amino acid residue located in a domain of the CC2D2A protein that is not known to be functional. The p.Asp262Asn substitution appears to be benign using several in-silico pathogenicity prediction tools (SIFT, PolyPhen2, Align GVGD, REVEL). This sequence change does not appear to have been previously described in individuals with CC2D2A-related disorders. Due to insufficient evidences and the lack of functional studies, the clinical significance of the p.Asp262Asn change remains unknown at this time.